The following is an entry in ClinVar:

NM_007078.3(LDB3):c.1168G>A (p.Ala390Thr)

Gene: LDB3 (LIM domain binding 3; plus strand). Cytogenetic location: 10q23.2.
Variant type: single nucleotide variant.
Coding change: c.1168G>A on transcript NM_007078.3 (MANE Select); coding-DNA position 1168, G replaced by A.
Protein change: p.Ala390Thr; replaces alanine 390 with threonine.
Molecular consequence: missense variant.
Genome position (GRCh38, 1-based): chr10:86,709,987, G>A. VCF-style: chr10-86709987-G-A. GRCh37 (hg19) VCF-style: chr10-88469744-G-A.
Other names: c.838G>A, p.Ala280Thr (NM_001080114.2); c.1183G>A, p.Ala395Thr (NM_001171610.2); c.979G>A, p.Ala327Thr (NM_001368064.1, NM_001368065.1); c.1027G>A, p.Ala343Thr (NM_001368066.1); short protein forms A280T, A390T, A327T, A343T, A395T.
Identifiers: ClinVar variation 1397026 (VCV001397026.7), dbSNP rs748672176, ClinGen allele CA5585073.

ClinVar aggregate classification (germline): Uncertain significance. Review status: criteria provided, multiple submitters, no conflicts (2 of 4 stars). 2 submissions from 2 submitters: Uncertain significance (2). Last evaluated 2024-05-02.

Conditions:
Myofibrillar myopathy 4. Also called: Zaspopathy (type). Identifiers: Orphanet 98912, MedGen C4721886, MONDO:0012277, OMIM 609452.

Allele frequency attached by ClinVar (database versions not stated): TOPMed below 0.00001; gnomAD 0.00001; gnomAD exomes 0.00002 and 0.00003; ExAC 0.00003.
gnomAD v4.1: 22 of 1,613,118 alleles (0.0014%); highest among the groups gnomAD compares: Middle Eastern, 0.017%; no homozygotes.

Submissions (2):

GeneDx
Classification: Uncertain significance. Last evaluated: 2024-05-02. Review status: criteria provided, single submitter. Criteria: GeneDx Variant Classification Process June 2021. Collection method: clinical testing. Allele origin: germline. Affected: yes.
Comment: In silico analysis indicates that this missense variant does not alter protein structure/function; Has not been previously published as pathogenic or benign to our knowledge; Reported using an alternate transcript of the gene

Labcorp Genetics (formerly Invitae), Labcorp
Classification: Uncertain significance for Myofibrillar myopathy 4. Last evaluated: 2023-05-15. Review status: criteria provided, single submitter. Criteria: Invitae Variant Classification Sherloc (09022015). Collection method: clinical testing. Allele origin: germline.
Comment: In summary, the available evidence is currently insufficient to determine the role of this variant in disease. Therefore, it has been classified as a Variant of Uncertain Significance. Experimental studies and prediction algorithms are not available or were not evaluated, and the functional significance of this variant is currently unknown. This variant has not been reported in the literature in individuals affected with LDB3-related conditions. This variant is present in population databases (rs748672176, gnomAD 0.02%). This sequence change replaces alanine, which is neutral and non-polar, with threonine, which is neutral and polar, at codon 390 of the LDB3 protein (p.Ala390Thr). The LDB3 gene has multiple clinically relevant transcripts. This variant occurs in alternate transcript NM_007078.3, and corresponds to NM_001080116.1:c.*10613G>A in the primary transcript.